The following is an entry in ClinVar:

NM_153332.4(ERI1):c.401A>G (p.Asp134Gly)

Gene: ERI1 (exoribonuclease 1). Cytogenetic location: 8p23.1.
Variant type: single nucleotide variant.
Coding change: c.401A>G on transcript NM_153332.4 (MANE Select); coding-DNA position 401, A replaced by G.
Protein change: p.Asp134Gly; replaces aspartic acid 134 with glycine.
Molecular consequence: missense variant.
Genome position (GRCh38, 1-based): chr8:9,011,655, A>G. VCF-style: chr8-9011655-A-G. GRCh37 (hg19) VCF-style: chr8-8869165-A-G.
Other names: c.167A>G, p.Asp56Gly (NM_001354635.2); c.56A>G, p.Asp19Gly (NM_001354636.2); c.401A>G, p.Asp134Gly (NM_001354638.2); short protein forms D134G, D19G, D56G.
Identifiers: ClinVar variation 1686779 (VCV001686779.4), dbSNP rs2486219481, ClinGen allele CA370263053.

ClinVar aggregate classification (germline): Likely pathogenic. Review status: criteria provided, single submitter (1 of 4 stars). 3 submissions from 3 submitters: Likely pathogenic (1). 2 of the submissions do not count toward it. Last evaluated 2024-03-03.

Conditions:
Spondyloepimetaphyseal dysplasia, Guo-Campeau type. Also called: Spondyloepimetaphyseal dysplasia, Guo-Salian type. Identifiers: MedGen C5882737, MONDO:0958006, OMIM 620663.

Submissions (3):

SIB Swiss Institute of Bioinformatics
Classification: Likely pathogenic for Spondyloepimetaphyseal dysplasia, Guo-Campeau type. Last evaluated: 2024-03-03. Review status: criteria provided, single submitter. Criteria: ACMG Guidelines, 2015. Collection method: curation. Allele origin: unknown. Affected: yes.
Comment: This variant is interpreted for Spondyloepimetaphyseal dysplasia, Guo-Campeau type, autosomal recessive. The following ACMG Tag(s) were applied: Absent from controls (or at extremely low frequency if recessive) in gnomAD (PM2). Located in a mutational hot spot and/or critical and well-established functional domain (PM1). Well-established functional studies show a deleterious effect (PS3-moderate).

OMIM
Classification: Pathogenic for SPONDYLOEPIMETAPHYSEAL DYSPLASIA, GUO-CAMPEAU TYPE. Last evaluated: 2024-01-04. Review status: no assertion criteria provided. Collection method: literature only. Allele origin: germline. Not counted in ClinVar's aggregate classification.

Laboratory for Bone and Joint Diseases, RIKEN
Classification: Likely pathogenic. Last evaluated: 2022-05-22. Review status: no assertion criteria provided. Collection method: research. Allele origin: paternal. Affected: yes. Not counted in ClinVar's aggregate classification.
Comment: The variant was seen in heterozygosity with the other (c.895T>C) variant.

Literature cited by the submitters: PubMed 37352860 (cited by SIB Swiss Institute of Bioinformatics and OMIM).